The following is an entry in ClinVar:

ClinVar aggregate classification (germline): Uncertain significance (1 of 4 stars; one submission).

Conditions:
Cardiovascular phenotype. Identifiers: MedGen CN230736.

gnomAD v4.1: 4 of 1,613,052 alleles (0.00025%); highest among the groups gnomAD compares: South Asian, 0.0011%; no homozygotes.

Submission:

Ambry Genetics
Classification: Uncertain significance for Cardiovascular phenotype. Last evaluated: 2024-07-14. Review status: criteria provided, single submitter. Criteria: Ambry Variant Classification Scheme 2023. Collection method: clinical testing. Allele origin: germline.
Comment: The p.A434T variant (also known as c.1300G>A), located in coding exon 9 of the LMF1 gene, results from a G to A substitution at nucleotide position 1300. The alanine at codon 434 is replaced by threonine, an amino acid with similar properties. This amino acid position is conserved. In addition, this alteration is predicted to be tolerated by in silico analysis. Based on the available evidence, the clinical significance of this variant remains unclear.

NM_022773.4(LMF1):c.1300G>A (p.Ala434Thr)

Gene: LMF1 (lipase maturation factor 1; minus strand). Cytogenetic location: 16p13.3.
Variant type: single nucleotide variant.
Coding change: c.1300G>A on transcript NM_022773.4 (MANE Select); coding-DNA position 1300, G replaced by A.
Protein change: p.Ala434Thr; replaces alanine 434 with threonine.
Molecular consequence: missense variant. On other transcripts: non-coding transcript variant (1).
Genome position (GRCh38, 1-based): chr16:869,999, C>T on the plus strand (G>A on the coding strand, the complement: LMF1 is on the minus strand). VCF-style: chr16-869999-C-T. GRCh37 (hg19) VCF-style: chr16-919999-C-T.
Other names: c.649G>A, p.Ala217Thr (NM_001352017.2, NM_001352021.2); c.901G>A, p.Ala301Thr (NM_001352018.2); c.973G>A, p.Ala325Thr (NM_001352019.2); c.1300G>A, p.Ala434Thr (NM_001352020.1); short protein forms A325T, A434T, A301T, A217T.
Identifiers: ClinVar variation 3538657 (VCV003538657.1).
Genomic context (GRCh38, chr16:869,999, plus strand): 5'-GGCAGGGCCGTCTGCTGGGGTCACCTGGCTTGCACTTGAACTCGTAGTCCTCCCACATGG[C>T]ATCGGGGGCGCTGGCGTTGGAGCTGGCTGTGCCCTGCAGGATCACCTCCGCCCGCTCCTT-3'
Protein context (NP_073610.2, residues 424-444): TASSNASAPD[Ala434Thr]MWEDYEFKCK